The following is an entry in ClinVar:

ClinVar aggregate classification (germline): Uncertain significance (1 of 4 stars; one submission).

Submission:

Labcorp Genetics (formerly Invitae), Labcorp
Classification: Uncertain significance. Last evaluated: 2025-08-18. Review status: criteria provided, single submitter. Criteria: Invitae Variant Classification Sherloc (09022015). Collection method: clinical testing. Allele origin: germline.
Comment: This sequence change replaces alanine, which is neutral and non-polar, with glutamic acid, which is acidic and polar, at codon 48 of the RUNX2 protein (p.Ala48Glu). This variant is not present in population databases (gnomAD no frequency). This variant has not been reported in the literature in individuals affected with RUNX2-related conditions. ClinVar contains an entry for this variant (Variation ID: 3727030). An algorithm developed to predict the effect of missense changes on protein structure and function (PolyPhen-2) suggests that this variant is likely to be tolerated. In summary, the available evidence is currently insufficient to determine the role of this variant in disease. Therefore, it has been classified as a Variant of Uncertain Significance.

NM_001024630.4(RUNX2):c.143C>A (p.Ala48Glu)

Gene: RUNX2 (RUNX family transcription factor 2; plus strand). Cytogenetic location: 6p21.1.
Variant type: single nucleotide variant.
Coding change: c.143C>A on transcript NM_001024630.4 (MANE Select); coding-DNA position 143, C replaced by A.
Protein change: p.Ala48Glu; replaces alanine 48 with glutamic acid.
Molecular consequence: missense variant.
Genome position (GRCh38, 1-based): chr6:45,422,677, C>A. VCF-style: chr6-45422677-C-A. GRCh37 (hg19) VCF-style: chr6-45390414-C-A.
Other names: c.143C>A, p.Ala48Glu (NM_001015051.4); c.101C>A, p.Ala34Glu (NM_001278478.2, NM_001369405.1); short protein forms A48E, A34E.
Identifiers: ClinVar variation 3727030 (VCV003727030.2).